The following is an entry in ClinVar:

NM_198075.4(LRRC56):c.624+1G>A

Gene: LRRC56 (leucine rich repeat containing 56; plus strand). Cytogenetic location: 11p15.5.
Variant type: single nucleotide variant.
Coding change: c.624+1G>A on transcript NM_198075.4 (MANE Select); the canonical splice donor site of the intron after coding-DNA position 624, G replaced by A.
Molecular consequence: splice donor variant.
Genome position (GRCh38, 1-based): chr11:550,273, G>A. VCF-style: chr11-550273-G-A. GRCh37 (hg19) VCF-style: chr11-550273-G-A.
Identifiers: ClinVar variation 1432796 (VCV001432796.6), dbSNP rs1331420078, ClinGen allele CA378942682.

ClinVar aggregate classification (germline): Likely pathogenic (1 of 4 stars; one submission).

gnomAD v4.1: 6 of 1,572,418 alleles (0.00038%); highest among the groups gnomAD compares: East Asian, 0.0046%; no homozygotes.

Submission:

Labcorp Genetics (formerly Invitae), Labcorp
Classification: Likely pathogenic. Last evaluated: 2022-07-05. Review status: criteria provided, single submitter. Criteria: Invitae Variant Classification Sherloc (09022015). Collection method: clinical testing. Allele origin: germline.
Comment: This sequence change affects a donor splice site in intron 8 of the LRRC56 gene. It is expected to disrupt RNA splicing. Variants that disrupt the donor or acceptor splice site typically lead to a loss of protein function (PMID: 16199547), and loss-of-function variants in LRRC56 are known to be pathogenic (PMID: 30388400). This variant is not present in population databases (gnomAD no frequency). This variant has not been reported in the literature in individuals affected with LRRC56-related conditions. ClinVar contains an entry for this variant (Variation ID: 1432796). Algorithms developed to predict the effect of sequence changes on RNA splicing suggest that this variant may disrupt the consensus splice site. In summary, the currently available evidence indicates that the variant is pathogenic, but additional data are needed to prove that conclusively. Therefore, this variant has been classified as Likely Pathogenic.

Literature cited by the submitters: PubMed 16199547; PubMed 30388400.